The following is an entry in ClinVar:

NM_001082486.2(ACD):c.-3G>A

Gene: ACD (ACD shelterin complex subunit and telomerase recruitment factor; minus strand). Cytogenetic location: 16q22.1.
Variant type: single nucleotide variant.
Coding change: c.-3G>A on transcript NM_001082486.2 (MANE Select); 3 bases upstream of the start codon, G replaced by A.
Molecular consequence: 5 prime UTR variant.
Genome position (GRCh38, 1-based): chr16:67,660,223, C>T on the plus strand (G>A on the coding strand, the complement: ACD is on the minus strand). VCF-style: chr16-67660223-C-T. GRCh37 (hg19) VCF-style: chr16-67694126-C-T.
Other names: c.-3G>A (NM_001410884.1, NM_022914.3).
Identifiers: ClinVar variation 3479365 (VCV003479365.1).
Genomic context (GRCh38, chr16:67,660,223, plus strand): 5'-ACCCCAGAATCAGCTCCCGAATCCAGGGCCGTAGGACCAGCCTCCCCGAACCTGCCATCC[C>T]CACGGCTACACCCAGCGGATGCAACGGGCCCGGGTTTCCCGCGGGCGCCCAGGCCCCGCC-3'

ClinVar aggregate classification (germline): Uncertain significance (1 of 4 stars; one submission).

Conditions:
Inborn genetic diseases. Identifiers: MedGen C0950123, MeSH D030342.

Submission:

Ambry Genetics
Classification: Uncertain significance for Inborn genetic diseases. Last evaluated: 2024-11-17. Review status: criteria provided, single submitter. Criteria: Ambry Variant Classification Scheme 2023. Collection method: clinical testing. Allele origin: germline.
Comment: The p.G86R variant (also known as c.256G>A), located in coding exon 1 of the ACD gene, results from a G to A substitution at nucleotide position 256. The glycine at codon 86 is replaced by arginine, an amino acid with dissimilar properties. This amino acid position is conserved. In addition, this alteration is predicted to be tolerated by in silico analysis. Based on the available evidence, the clinical significance of this variant remains unclear.